The following is an entry in ClinVar:

ClinVar aggregate classification (germline): Uncertain significance (0 of 4 stars; one submission).

Conditions:
Autosomal recessive polycystic kidney disease (ARPKD). Also called: AR polycystic kidney disease. Identifiers: Orphanet 731, Orphanet 8378, MedGen C0085548, MeSH D017044, MONDO:0009889.

gnomAD v4.1: 1 of 1,612,830 alleles (0.000062%); highest among the groups gnomAD compares: Non-Finnish European, 0.000085%; no homozygotes.

Submission:

Institute of Human Genetics, Cologne University
Classification: Uncertain significance for Polycystic kidney disease 4. Review status: no assertion criteria provided. Collection method: clinical testing. Allele origin: unknown. Inheritance: Autosomal recessive inheritance. Affected: yes. Observed: 1 compound heterozygote.
Comment: was found to be compound-heterozygous with c.370C>T; p.Arg124*

NM_138694.4(PKHD1):c.2853C>A (p.Thr951=)

Gene: PKHD1 (PKHD1 ciliary IPT domain containing fibrocystin/polyductin; minus strand). Cytogenetic location: 6p12.2.
Variant type: single nucleotide variant.
Coding change: c.2853C>A on transcript NM_138694.4 (MANE Select); coding-DNA position 2853, C replaced by A.
Protein change: p.Thr951=; no amino-acid change (threonine 951 retained).
Molecular consequence: synonymous variant.
Genome position (GRCh38, 1-based): chr6:52,043,103, G>T on the plus strand (C>A on the coding strand, the complement: PKHD1 is on the minus strand). VCF-style: chr6-52043103-G-T. GRCh37 (hg19) VCF-style: chr6-51907901-G-T.
Other names: c.2853C>A, p.Thr951= (NM_170724.3).
Identifiers: ClinVar variation 827767 (VCV000827767.1), dbSNP rs139815340, ClinGen allele CA450615345.